The following is an entry in ClinVar:

NM_012387.3(PADI4):c.607G>A (p.Val203Met)

Gene: PADI4 (peptidyl arginine deiminase 4; plus strand). Cytogenetic location: 1p36.13.
Variant type: single nucleotide variant.
Coding change: c.607G>A on transcript NM_012387.3 (MANE Select); coding-DNA position 607, G replaced by A.
Protein change: p.Val203Met; replaces valine 203 with methionine.
Molecular consequence: missense variant.
Genome position (GRCh38, 1-based): chr1:17,339,768, G>A. VCF-style: chr1-17339768-G-A. GRCh37 (hg19) VCF-style: chr1-17666263-G-A.
Other names: short protein forms V203M.
Identifiers: ClinVar variation 3044146 (VCV003044146.2), dbSNP rs147414271, ClinGen allele CA640591.

ClinVar aggregate classification (germline): Likely benign (0 of 4 stars; one submission).

Conditions:
PADI4-related disorder. Also called: PADI4-related condition.

Allele frequency attached by ClinVar (database versions not stated): ESP Exome Variant Server 0.00008; gnomAD exomes 0.00013; gnomAD 0.00023; TOPMed 0.00029; ExAC 0.00048; 1000 Genomes Project 0.00120; 1000 Genomes Project 30x 0.00156.
gnomAD v4.1: 216 of 1,613,782 alleles (0.013%); highest among the groups gnomAD compares: East Asian, 0.36%; no homozygotes.

Submission:

PreventionGenetics, part of Exact Sciences
Classification: Likely benign for PADI4-related condition. Last evaluated: 2019-09-17. Review status: no assertion criteria provided. Collection method: clinical testing. Allele origin: germline.
Comment: This variant is classified as likely benign based on ACMG/AMP sequence variant interpretation guidelines (Richards et al. 2015 PMID: 25741868, with internal and published modifications).